The following is an entry in ClinVar:

NM_014608.6(CYFIP1):c.1675-209C>T

Gene: CYFIP1 (cytoplasmic FMR1 interacting protein 1; minus strand). Cytogenetic location: 15q11.2.
Variant type: single nucleotide variant.
Coding change: c.1675-209C>T on transcript NM_014608.6 (MANE Select); 209 bases into the intron before coding-DNA position 1675, C replaced by T.
Molecular consequence: intron variant. On other transcripts: missense variant (1).
Genome position (GRCh38, 1-based): chr15:22,916,839, G>A on the plus strand (C>T on the coding strand, the complement: CYFIP1 is on the minus strand). VCF-style: chr15-22916839-G-A. GRCh37 (hg19) VCF-style: chr15-22956229-C-T.
Other names: NC_000015.9:g.22956229C>T; c.173C>T, p.Ala58Val (NM_001033028.3); c.1777-209C>T (NM_001324119.2); c.1675-209C>T (NM_001324120.2, NM_001324123.3, NM_001287810.4); c.1309-209C>T (NM_001324125.3); c.1585-209C>T (NM_001324124.3); c.1573-209C>T (NM_001324126.3); c.-7+43C>T (NM_001324122.3); short protein forms A58V.
Identifiers: ClinVar variation 3045989 (VCV003045989.3), dbSNP rs372978790, ClinGen allele CA7424781.
Genomic context (GRCh38, chr15:22,916,839, plus strand): 5'-TGTCTACGCGGCCACGTTGCTGCTGCTTTGGGGAAAGAACAACTTGTAGCGGAGCAGTTC[G>A]CCTCCGTGCCATAAACGTCAAGAGAAACAAATGATGTCTTACCACCAAAGGTTAAAAGGG-3'

ClinVar aggregate classification (germline): Likely benign (0 of 4 stars; one submission).

Conditions:
CYFIP1-related disorder. Also called: CYFIP1-related condition.

Allele frequency attached by ClinVar (database versions not stated): 1000 Genomes Project 30x 0.00031; gnomAD 0.00036; 1000 Genomes Project 0.00040; ExAC 0.00042; TOPMed 0.00042; gnomAD exomes 0.00043; ESP Exome Variant Server 0.00058.
gnomAD v4.1: 667 of 1,554,158 alleles (0.043%); highest among the groups gnomAD compares: Non-Finnish European, 0.048%; 1 homozygote.

Submissions (2):

PreventionGenetics, part of Exact Sciences
Classification: Likely benign for CYFIP1-related condition. Last evaluated: 2022-05-04. Review status: no assertion criteria provided. Collection method: clinical testing. Allele origin: germline.
Comment: This variant is classified as likely benign based on ACMG/AMP sequence variant interpretation guidelines (Richards et al. 2015 PMID: 25741868, with internal and published modifications).

Dr. Peter K. Rogan Lab, Western University
No classification provided (evidence only). Condition: Uterine corpus endometrial carcinoma. Review status: no classification provided. Collection method: in vitro. Allele origin: not applicable. Functional consequence: retained intron. Not counted in ClinVar's aggregate classification.